The following is an entry in ClinVar:

ClinVar aggregate classification (germline): Conflicting classifications of pathogenicity. Review status: criteria provided, conflicting classifications (1 of 4 stars). 2 submissions from 2 submitters: Likely pathogenic (1); Uncertain significance (1). Last evaluated 2026-01-21.

Conditions:
Holocarboxylase synthetase deficiency. Also called: MULTIPLE CARBOXYLASE DEFICIENCY, EARLY ONSET. Identifiers: Orphanet 79242, MedGen C0268581, MONDO:0009666, OMIM 253270.

Allele frequency attached by ClinVar (database versions not stated): gnomAD 0.00001; gnomAD exomes 0.00001; TOPMed 0.00002.
gnomAD v4.1: 15 of 1,613,930 alleles (0.00093%); highest among the groups gnomAD compares: African/African-American, 0.008%; no homozygotes.

Submissions (2):

Natera, Inc.
Classification: Likely pathogenic for Holocarboxylase synthetase deficiency. Last evaluated: 2026-01-21. Review status: criteria provided, single submitter. Criteria: Natera Variant Classification Schema (03/2026). Collection method: clinical testing. Allele origin: germline.
Comment: The c.2126C>T variant in HLCS is a missense variant predicted to cause substitution of proline to leucine at amino acid 709. This variant is rare in the general population with a frequency below the threshold expected for the associated phenotype(s). This variant has been observed in one or more individuals affected with the associated recessive disease, as either homozygous or compound heterozygous with a second variant (PMID: 38550975, 36890565, 2760430). Computational prediction algorithms indicate this variant is likely to affect gene or protein function. Given the available evidence, this variant is classified as Likely Pathogenic.

Labcorp Genetics (formerly Invitae), Labcorp
Classification: Uncertain significance for Holocarboxylase synthetase deficiency. Last evaluated: 2022-04-10. Review status: criteria provided, single submitter. Criteria: Invitae Variant Classification Sherloc (09022015). Collection method: clinical testing. Allele origin: germline.
Comment: This sequence change replaces proline, which is neutral and non-polar, with leucine, which is neutral and non-polar, at codon 709 of the HLCS protein (p.Pro709Leu). This variant is not present in population databases (gnomAD no frequency). This missense change has been observed in individual(s) with holocarboxylase synthetase deficiency (PMID: 27604308). ClinVar contains an entry for this variant (Variation ID: 851334). Advanced modeling of protein sequence and biophysical properties (such as structural, functional, and spatial information, amino acid conservation, physicochemical variation, residue mobility, and thermodynamic stability) performed at Invitae indicates that this missense variant is expected to disrupt HLCS protein function. In summary, the available evidence is currently insufficient to determine the role of this variant in disease. Therefore, it has been classified as a Variant of Uncertain Significance.

Literature cited by the submitters: PubMed 38550975 (cited by Natera, Inc.); PubMed 36890565 (cited by Natera, Inc.); PubMed 2760430 (cited by Natera, Inc.); PubMed 27604308 (cited by Labcorp Genetics (formerly Invitae), Labcorp).

NM_001352514.2(HLCS):c.2567C>T (p.Pro856Leu)

Gene: HLCS (holocarboxylase synthetase; minus strand). Cytogenetic location: 21q22.13.
Variant type: single nucleotide variant.
Coding change: c.2567C>T on transcript NM_001352514.2 (MANE Select); coding-DNA position 2567, C replaced by T.
Protein change: p.Pro856Leu; replaces proline 856 with leucine.
Molecular consequence: missense variant. On other transcripts: non-coding transcript variant (2).
Genome position (GRCh38, 1-based): chr21:36,754,301, G>A on the plus strand (C>T on the coding strand, the complement: HLCS is on the minus strand). VCF-style: chr21-36754301-G-A. GRCh37 (hg19) VCF-style: chr21-38126602-G-A.
Other names: c.2126C>T, p.Pro709Leu (NM_001352516.2, NM_001352517.1, NM_001352518.2 and 4 more transcripts); c.2126C>T (NM_000411.7); short protein forms P709L, P856L.
Identifiers: ClinVar variation 851334 (VCV000851334.10), dbSNP rs1260631800, ClinGen allele CA409918004.